The following is an entry in ClinVar:

NM_000297.4(PKD2):c.911A>T (p.Asp304Val)

Gene: PKD2 (polycystin 2, transient receptor potential cation channel; plus strand). Cytogenetic location: 4q22.1.
Variant type: single nucleotide variant.
Coding change: c.911A>T on transcript NM_000297.4 (MANE Select); coding-DNA position 911, A replaced by T.
Protein change: p.Asp304Val; replaces aspartic acid 304 with valine.
Molecular consequence: missense variant. On other transcripts: non-coding transcript variant (1).
Genome position (GRCh38, 1-based): chr4:88,038,318, A>T. VCF-style: chr4-88038318-A-T. GRCh37 (hg19) VCF-style: chr4-88959470-A-T.
Other names: c.911A>T (NM_000297.3); short protein forms D304V.
Identifiers: ClinVar variation 1955923 (VCV001955923.9), dbSNP rs763255650, ClinGen allele CA3003839.
Genomic context (GRCh38, chr4:88,038,318, plus strand): 5'-AAGGCTCCTTATTGGATGGGCTGTACTGGAAGATGCAGCCCAGCAACCAGACTGAAGCTG[A>T]CAACCGAAGTTTCATCTTCTATGAGAACCTGCTGTTAGGGGTTCCACGAATACGGCAACT-3'
Protein context (NP_000288.1, residues 294-314): KMQPSNQTEA[Asp304Val]NRSFIFYENL

ClinVar aggregate classification (germline): Uncertain significance. Review status: criteria provided, multiple submitters, no conflicts (2 of 4 stars). 3 submissions from 3 submitters: Uncertain significance (3). Last evaluated 2026-01-07.

Conditions:
Autosomal dominant polycystic kidney disease. Identifiers: Orphanet 730, MedGen C0085413, MONDO:0004691.
Polycystic kidney disease 2 (PKD2). Also called: POLYCYSTIC KIDNEY DISEASE, ADULT, TYPE II; Polycystic Kidney Disease 2, Autosomal Dominant; POLYCYSTIC KIDNEY DISEASE 2 WITH OR WITHOUT POLYCYSTIC LIVER DISEASE. Identifiers: MedGen C2751306, MONDO:0013131, OMIM 613095.

Allele frequency attached by ClinVar (database versions not stated): TOPMed below 0.00001; ExAC 0.00001; gnomAD 0.00001; gnomAD exomes 0.00001.
gnomAD v4.1: 10 of 1,613,904 alleles (0.00062%); highest among the groups gnomAD compares: Non-Finnish European, 0.00085%; no homozygotes.

Submissions (3):

GeneDx
Classification: Uncertain significance. Last evaluated: 2026-01-07. Review status: criteria provided, single submitter. Criteria: GeneDx Variant Classification Process June 2021. Collection method: clinical testing. Allele origin: germline.
Comment: Not observed at significant frequency in large population cohorts (gnomAD); In silico analysis supports that this missense variant has a deleterious effect on protein structure/function; Has not been previously published as pathogenic or benign to our knowledge

Labcorp Genetics (formerly Invitae), Labcorp
Classification: Uncertain significance for Autosomal dominant polycystic kidney disease. Last evaluated: 2025-09-22. Review status: criteria provided, single submitter. Criteria: Invitae Variant Classification Sherloc (09022015). Collection method: clinical testing. Allele origin: germline.
Comment: This sequence change replaces aspartic acid, which is acidic and polar, with valine, which is neutral and non-polar, at codon 304 of the PKD2 protein (p.Asp304Val). This variant is present in population databases (rs763255650, gnomAD 0.0009%). This variant has not been reported in the literature in individuals affected with PKD2-related conditions. ClinVar contains an entry for this variant (Variation ID: 1955923). Invitae Evidence Modeling of protein sequence and biophysical properties (such as structural, functional, and spatial information, amino acid conservation, physicochemical variation, residue mobility, and thermodynamic stability) indicates that this missense variant is not expected to disrupt PKD2 protein function with a negative predictive value of 80%. In summary, the available evidence is currently insufficient to determine the role of this variant in disease. Therefore, it has been classified as a Variant of Uncertain Significance.

Victorian Clinical Genetics Services, Murdoch Childrens Research Institute
Classification: Uncertain significance for Polycystic kidney disease 2. Last evaluated: 2024-11-27. Review status: criteria provided, single submitter. Criteria: ACMG Guidelines, 2015. Collection method: clinical testing. Allele origin: germline. Affected: yes.
Comment: This variant is classified as VUS-3A. Evidence in support of pathogenic classification: Variant is present in gnomAD <0.001 for a dominant condition (v4: 10 heterozygote, 0 homozygotes). Additional information: Variant is predicted to result in a missense amino acid change from aspartic acid to valine; This variant is heterozygous; This gene is associated with autosomal dominant disease; An alternative amino acid change at the same position has been observed in gnomAD (v4: 3 heterozygote(s), 0 homozygote(s)); Previous evidence of pathogenicity for this variant is inconclusive. This variant has been classified as a VUS by a clinical laboratory in ClinVar; No published segregation evidence has been identified for this variant; No published functional evidence has been identified for this variant; No comparable missense variants have previous evidence for pathogenicity; Variant is located in the annotated polycystin domain (DECIPHER); Missense variant with conflicting in silico predictions and uninformative conservation; Loss of function is a known mechanism of disease in this gene and is associated with polycystic kidney disease 2 (MIM#613095); Inheritance information for this variant is not currently available in this individual.